The following is an entry in ClinVar:

ClinVar aggregate classification (germline): Uncertain significance. Review status: criteria provided, multiple submitters, no conflicts (2 of 4 stars). 2 submissions from 2 submitters: Uncertain significance (2). Last evaluated 2025-08-05.

Allele frequency attached by ClinVar (database versions not stated): 1000 Genomes Project 30x 0.00016; gnomAD 0.00021; TOPMed 0.00024.
gnomAD v4.1: 117 of 1,612,724 alleles (0.0073%); highest among the groups gnomAD compares: Admixed American, 0.071%; no homozygotes.

Submissions (2):

Labcorp Genetics (formerly Invitae), Labcorp
Classification: Uncertain significance. Last evaluated: 2025-08-05. Review status: criteria provided, single submitter. Criteria: Invitae Variant Classification Sherloc (09022015). Collection method: clinical testing. Allele origin: germline.
Comment: This sequence change replaces glutamic acid, which is acidic and polar, with lysine, which is basic and polar, at codon 965 of the HYOU1 protein (p.Glu965Lys). This variant is present in population databases (rs373944521, gnomAD 0.1%), and has an allele count higher than expected for a pathogenic variant. This variant has not been reported in the literature in individuals affected with HYOU1-related conditions. ClinVar contains an entry for this variant (Variation ID: 1480576). An algorithm developed to predict the effect of missense changes on protein structure and function outputs the following: PolyPhen-2: "Not Available". The lysine amino acid residue is found in multiple mammalian species, which suggests that this missense change does not adversely affect protein function. In summary, the available evidence is currently insufficient to determine the role of this variant in disease. Therefore, it has been classified as a Variant of Uncertain Significance.

Breakthrough Genomics
Classification: Uncertain significance. Review status: criteria provided, single submitter. Criteria: ACMG Guidelines, 2015. Collection method: not provided. Allele origin: germline. Inheritance: Autosomal recessive inheritance. Affected: yes.

NM_006389.5(HYOU1):c.2893G>A (p.Glu965Lys)

Gene: HYOU1 (hypoxia up-regulated 1; minus strand). Cytogenetic location: 11q23.3.
Variant type: single nucleotide variant.
Coding change: c.2893G>A on transcript NM_006389.5 (MANE Select); coding-DNA position 2893, G replaced by A.
Protein change: p.Glu965Lys; replaces glutamic acid 965 with lysine.
Molecular consequence: missense variant.
Genome position (GRCh38, 1-based): chr11:119,045,826, C>T on the plus strand (G>A on the coding strand, the complement: HYOU1 is on the minus strand). VCF-style: chr11-119045826-C-T. GRCh37 (hg19) VCF-style: chr11-118916538-C-T.
Other names: c.2893G>A, p.Glu965Lys (NM_001130991.3); short protein forms E965K.
Identifiers: ClinVar variation 1480576 (VCV001480576.7), dbSNP rs373944521, ClinGen allele CA229615929.